The following is an entry in ClinVar:

ClinVar aggregate classification (germline): Uncertain significance (1 of 4 stars; one submission).

Submission:

Labcorp Genetics (formerly Invitae), Labcorp
Classification: Uncertain significance. Last evaluated: 2025-06-22. Review status: criteria provided, single submitter. Criteria: Invitae Variant Classification Sherloc (09022015). Collection method: clinical testing. Allele origin: germline.
Comment: This sequence change replaces proline, which is neutral and non-polar, with leucine, which is neutral and non-polar, at codon 31 of the ZNF408 protein (p.Pro31Leu). This variant is present in population databases (rs765778458, gnomAD 0.003%). This variant has not been reported in the literature in individuals affected with ZNF408-related conditions. An algorithm developed to predict the effect of missense changes on protein structure and function outputs the following: PolyPhen-2: "Benign". The leucine amino acid residue is found in multiple mammalian species, which suggests that this missense change does not adversely affect protein function. In summary, the available evidence is currently insufficient to determine the role of this variant in disease. Therefore, it has been classified as a Variant of Uncertain Significance.

NM_024741.3(ZNF408):c.92C>T (p.Pro31Leu)

Gene: ZNF408 (zinc finger protein 408; plus strand). Cytogenetic location: 11p11.2.
Variant type: single nucleotide variant.
Coding change: c.92C>T on transcript NM_024741.3 (MANE Select); coding-DNA position 92, C replaced by T.
Protein change: p.Pro31Leu; replaces proline 31 with leucine.
Molecular consequence: missense variant.
Genome position (GRCh38, 1-based): chr11:46,701,438, C>T. VCF-style: chr11-46701438-C-T. GRCh37 (hg19) VCF-style: chr11-46722988-C-T.
Other names: c.68C>T, p.Pro23Leu (NM_001184751.2); short protein forms P31L, P23L.
Identifiers: ClinVar variation 4772101 (VCV004772101.1).